The following is an entry in ClinVar:

NM_007294.4(BRCA1):c.3372C>T (p.Phe1124=)

Genes: BRCA1 (BRCA1 DNA repair associated; minus strand), LOC126862571 (BRD4-independent group 4 enhancer GRCh37_chr17:41243136-41244335; plus strand). Cytogenetic location: 17q21.31.
Variant type: single nucleotide variant.
Coding change: c.3372C>T on transcript NM_007294.4 (MANE Select); coding-DNA position 3372, C replaced by T.
Protein change: p.Phe1124=; no amino-acid change (phenylalanine 1124 retained).
Molecular consequence: synonymous variant. On other transcripts: intron variant (137).
Genome position (GRCh38, 1-based): chr17:43,092,159, G>A on the plus strand (C>T on the coding strand, the complement: BRCA1 is on the minus strand). VCF-style: chr17-43092159-G-A. GRCh37 (hg19) VCF-style: chr17-41244176-G-A.
Other names: c.3231C>T, p.Phe1077= (NM_001407751.1, NM_001407752.1, NM_001407850.1 and 29 more transcripts); c.3228C>T, p.Phe1076= (NM_001407838.1, NM_001407839.1, NM_001407841.1 and 20 more transcripts); c.3159C>T, p.Phe1053= (NM_001407853.1, NM_001407894.1, NM_001407895.1 and 9 more transcripts); c.3372C>T, p.Phe1124= (NM_001407854.1, NM_001407858.1, NM_001407859.1 and 30 more transcripts); c.3369C>T, p.Phe1123= (NM_001407860.1, NM_001407861.1, NM_001407587.1 and 22 more transcripts); c.3171C>T, p.Phe1057= (NM_001407862.1); c.3249C>T, p.Phe1083= (NM_001407863.1, NM_001407919.1, NM_001407937.1 and 19 more transcripts); c.3168C>T, p.Phe1056= (NM_001407874.1, NM_001407875.1); and 41 more.
Identifiers: ClinVar variation 187047 (VCV000187047.20), dbSNP rs786203431, ClinGen allele CA002186.

ClinVar aggregate classification (germline): Likely benign. Review status: reviewed by expert panel (3 of 4 stars). 6 submissions from 6 submitters: Likely benign (1). 5 of the submissions do not count toward it. Last evaluated 2017-06-29.

Conditions:
Hereditary breast ovarian cancer syndrome. Also called: Hereditary breast and ovarian cancer syndrome; Hereditary breast and ovarian cancer syndrome (HBOC); BRCA1- and BRCA2-Associated Hereditary Breast and Ovarian Cancer; Breast and ovarian cancer; Hereditary breast and ovarian cancer; Hereditary breast and/or ovarian cancer syndrome. Identifiers: Orphanet 145, MedGen C0677776, MeSH D061325, MONDO:0003582. Disease mechanism: loss of function.
Hereditary cancer-predisposing syndrome. Also called: Hereditary Cancer Syndrome; Hereditary neoplastic syndrome; Tumor predisposition; Neoplastic Syndromes, Hereditary. Identifiers: Orphanet 140162, MedGen C0027672, MeSH D009386, MONDO:0015356.
Breast-ovarian cancer, familial, susceptibility to, 1 (BROVCA1). Also called: OVARIAN CANCER, SUSCEPTIBILITY TO; BRCA1 Hereditary Breast and Ovarian Cancer. Identifiers: Orphanet 145, MedGen C2676676, MONDO:0011450, OMIM 604370. Disease mechanism: loss of function.
BRCA1-related cancer predisposition. Identifiers: MedGen CN377757, MONDO:0700268.

Allele frequency attached by ClinVar (database versions not stated): TOPMed below 0.00001.

Submissions (6):

Evidence-based Network for the Interpretation of Germline Mutant Alleles (ENIGMA)
Classification: Likely benign for Breast-ovarian cancer, familial, susceptibility to, 1. Last evaluated: 2017-06-29. Review status: reviewed by expert panel. Criteria: ENIGMA BRCA1/2 Classification Criteria (2017-06-29). Collection method: curation. Allele origin: germline.
Comment: Synonymous substitution variant, with low bioinformatic likelihood to result in a splicing aberration (Splicing prior probability 0.02).

All of Us Research Program, National Institutes of Health
Classification: Likely benign for BRCA1-related cancer predisposition. Last evaluated: 2024-09-13. Review status: criteria provided, single submitter. Criteria: ACMG Guidelines, 2015. Collection method: clinical testing. Allele origin: germline. Inheritance: Autosomal dominant inheritance. Observed: 1 variant allele, 1 heterozygote. Not counted in ClinVar's aggregate classification.
Comment: This study involves interpretation of variants in research participants for the purpose of population health screening. Participant phenotype was not available at the time of variant classification. Additional details can be found in publication PMID: 35346344, PMCID: PMC8962531

Labcorp Genetics (formerly Invitae), Labcorp
Classification: Likely benign for Hereditary breast ovarian cancer syndrome. Last evaluated: 2020-11-10. Review status: criteria provided, single submitter. Criteria: Invitae Variant Classification Sherloc (09022015). Collection method: clinical testing. Allele origin: germline. Not counted in ClinVar's aggregate classification.

Women's Health and Genetics/Laboratory Corporation of America, LabCorp
Classification: Likely benign. Last evaluated: 2020-03-23. Review status: criteria provided, single submitter. Criteria: LabCorp Variant Classification Summary - May 2015. Collection method: clinical testing. Allele origin: germline. Not counted in ClinVar's aggregate classification.

Color Diagnostics, LLC DBA Color Health
Classification: Likely benign for Hereditary cancer-predisposing syndrome. Last evaluated: 2020-02-13. Review status: criteria provided, single submitter. Criteria: ACMG Guidelines, 2015. Collection method: clinical testing. Allele origin: germline. Not counted in ClinVar's aggregate classification.

Ambry Genetics
Classification: Likely benign for Hereditary cancer-predisposing syndrome. Last evaluated: 2014-10-30. Review status: criteria provided, single submitter. Criteria: Ambry Variant Classification Scheme 2023. Collection method: clinical testing. Allele origin: germline. Not counted in ClinVar's aggregate classification.